The following is an entry in ClinVar:

NM_001166108.2(PALLD):c.1852G>A (p.Gly618Arg)

Gene: PALLD (palladin, cytoskeletal associated protein; plus strand). Cytogenetic location: 4q32.3.
Variant type: single nucleotide variant.
Coding change: c.1852G>A on transcript NM_001166108.2 (MANE Select); coding-DNA position 1852, G replaced by A.
Protein change: p.Gly618Arg; replaces glycine 618 with arginine.
Molecular consequence: missense variant.
Genome position (GRCh38, 1-based): chr4:168,711,811, G>A. VCF-style: chr4-168711811-G-A. GRCh37 (hg19) VCF-style: chr4-169632962-G-A.
Other names: c.706G>A, p.Gly236Arg (NM_001166109.2); c.1852G>A, p.Gly618Arg (NM_016081.4); short protein forms G618R, G236R.
Identifiers: ClinVar variation 3413655 (VCV003413655.1).

ClinVar aggregate classification (germline): Uncertain significance (1 of 4 stars; one submission).

Submission:

Ambry Genetics
Classification: Uncertain significance. Last evaluated: 2024-11-03. Review status: criteria provided, single submitter. Criteria: Ambry Variant Classification Scheme 2023. Collection method: clinical testing. Allele origin: germline.
Comment: The p.G618R variant (also known as c.1852G>A), located in coding exon 9 of the PALLD gene, results from a G to A substitution at nucleotide position 1852. The glycine at codon 618 is replaced by arginine, an amino acid with dissimilar properties. This amino acid position is conserved. In addition, this alteration is predicted to be tolerated by in silico analysis. Based on the available evidence, the clinical significance of this variant remains unclear.